The following is an entry in ClinVar:

NM_000937.5(POLR2A):c.5783C>T (p.Pro1928Leu)

Gene: POLR2A (RNA polymerase II subunit A; plus strand). Cytogenetic location: 17p13.1.
Variant type: single nucleotide variant.
Coding change: c.5783C>T on transcript NM_000937.5 (MANE Select); coding-DNA position 5783, C replaced by T.
Protein change: p.Pro1928Leu; replaces proline 1928 with leucine.
Molecular consequence: missense variant.
Genome position (GRCh38, 1-based): chr17:7,514,049, C>T. VCF-style: chr17-7514049-C-T. GRCh37 (hg19) VCF-style: chr17-7417366-C-T.
Other names: short protein forms P1928L.
Identifiers: ClinVar variation 2629729 (VCV002629729.1), dbSNP rs1373010610, ClinGen allele CA397839710.

ClinVar aggregate classification (germline): Uncertain significance (1 of 4 stars; one submission).

Conditions:
POLR2A-related disorder. Also called: POLR2A-related condition.

Allele frequency attached by ClinVar (database versions not stated): gnomAD exomes below 0.00001.

Submission:

PreventionGenetics, part of Exact Sciences
Classification: Uncertain significance for POLR2A-related condition. Last evaluated: 2022-12-20. Review status: criteria provided, single submitter. Criteria: ACMG Guidelines, 2015. Collection method: clinical testing. Allele origin: germline.
Comment: The POLR2A c.5783C>T variant is predicted to result in the amino acid substitution p.Pro1928Leu. To our knowledge, this variant has not been reported in the literature. This variant is reported in 0.0029% of alleles in individuals of Latino descent in gnomAD. At this time, the clinical significance of this variant is uncertain due to the absence of conclusive functional and genetic evidence.